The following is an entry in ClinVar:

NM_020365.5(EIF2B3):c.962A>T (p.Glu321Val)

Gene: EIF2B3 (eukaryotic translation initiation factor 2B subunit gamma; minus strand). Cytogenetic location: 1p34.1.
Variant type: single nucleotide variant.
Coding change: c.962A>T on transcript NM_020365.5 (MANE Select); coding-DNA position 962, A replaced by T.
Protein change: p.Glu321Val; replaces glutamic acid 321 with valine.
Molecular consequence: missense variant.
Genome position (GRCh38, 1-based): chr1:44,879,831, T>A on the plus strand (A>T on the coding strand, the complement: EIF2B3 is on the minus strand). VCF-style: chr1-44879831-T-A. GRCh37 (hg19) VCF-style: chr1-45345503-T-A.
Other names: c.962A>T, p.Glu321Val (NM_001166588.3, NM_001261418.2); short protein forms E321V.
Identifiers: ClinVar variation 2016625 (VCV002016625.4), dbSNP rs2522317818, ClinGen allele CA340118892.

ClinVar aggregate classification (germline): Uncertain significance (1 of 4 stars; one submission).

Submission:

Labcorp Genetics (formerly Invitae), Labcorp
Classification: Uncertain significance. Last evaluated: 2024-11-05. Review status: criteria provided, single submitter. Criteria: Invitae Variant Classification Sherloc (09022015). Collection method: clinical testing. Allele origin: germline.
Comment: This sequence change replaces glutamic acid, which is acidic and polar, with valine, which is neutral and non-polar, at codon 321 of the EIF2B3 protein (p.Glu321Val). This variant is not present in population databases (gnomAD no frequency). This variant has not been reported in the literature in individuals affected with EIF2B3-related conditions. ClinVar contains an entry for this variant (Variation ID: 2016625). Invitae Evidence Modeling of protein sequence and biophysical properties (such as structural, functional, and spatial information, amino acid conservation, physicochemical variation, residue mobility, and thermodynamic stability) indicates that this missense variant is not expected to disrupt EIF2B3 protein function with a negative predictive value of 80%. In summary, the available evidence is currently insufficient to determine the role of this variant in disease. Therefore, it has been classified as a Variant of Uncertain Significance.